The following is an entry in ClinVar:

NM_003906.5(MCM3AP):c.1340A>G (p.Asn447Ser)

Gene: MCM3AP (minichromosome maintenance complex component 3 associated protein; minus strand). Cytogenetic location: 21q22.3.
Variant type: single nucleotide variant.
Coding change: c.1340A>G on transcript NM_003906.5 (MANE Select); coding-DNA position 1340, A replaced by G.
Protein change: p.Asn447Ser; replaces asparagine 447 with serine.
Molecular consequence: missense variant.
Genome position (GRCh38, 1-based): chr21:46,283,718, T>C on the plus strand (A>G on the coding strand, the complement: MCM3AP is on the minus strand). VCF-style: chr21-46283718-T-C. GRCh37 (hg19) VCF-style: chr21-47703632-T-C.
Other names: short protein forms N447S.
Identifiers: ClinVar variation 2012649 (VCV002012649.4), dbSNP rs746599776, ClinGen allele CA10077117.
Genomic context (GRCh38, chr21:46,283,718, plus strand): 5'-GTAAAGATGCGCTGCACTTTAGCAATTTTGCCAAAATGGTTCTCCAGAATGGTCCTGTCG[T>C]TGAGGTAGTCAGGGATGTTCTTGCACTGGATGGCTGTGACTTCAGAGGGAGACAAGCCCC-3'
Protein context (NP_003897.2, residues 437-457): IQCKNIPDYL[Asn447Ser]DRTILENHFG

ClinVar aggregate classification (germline): Uncertain significance (1 of 4 stars; one submission).

Allele frequency attached by ClinVar (database versions not stated): gnomAD exomes below 0.00001; ExAC 0.00002.
gnomAD v4.1: 2 of 1,614,000 alleles (0.00012%); highest among the groups gnomAD compares: East Asian, 0.0022%; no homozygotes.

Submission:

Labcorp Genetics (formerly Invitae), Labcorp
Classification: Uncertain significance. Last evaluated: 2022-07-01. Review status: criteria provided, single submitter. Criteria: Invitae Variant Classification Sherloc (09022015). Collection method: clinical testing. Allele origin: germline.
Comment: In summary, the available evidence is currently insufficient to determine the role of this variant in disease. Therefore, it has been classified as a Variant of Uncertain Significance. Algorithms developed to predict the effect of missense changes on protein structure and function are either unavailable or do not agree on the potential impact of this missense change (SIFT: "Deleterious"; PolyPhen-2: "Probably Damaging"; Align-GVGD: "Class C0"). This variant has not been reported in the literature in individuals affected with MCM3AP-related conditions. This variant is present in population databases (rs746599776, gnomAD 0.006%). This sequence change replaces asparagine, which is neutral and polar, with serine, which is neutral and polar, at codon 447 of the MCM3AP protein (p.Asn447Ser).